The following is an entry in ClinVar:

ClinVar aggregate classification (germline): Likely pathogenic (1 of 4 stars; one submission).

Conditions:
Epilepsy, familial temporal lobe, 1. Identifiers: Orphanet 101046, MedGen CN030884, MONDO:0700090, OMIM 600512.

Submission:

Institute of Human Genetics, University of Leipzig Medical Center
Classification: Likely pathogenic for Epilepsy, familial temporal lobe, 1. Last evaluated: 2023-10-26. Review status: criteria provided, single submitter. Criteria: ACMG Guidelines, 2015. Collection method: clinical testing. Allele origin: unknown. Inheritance: Autosomal dominant inheritance. Affected: yes.
Comment: Criteria applied: PVS1,PM2_SUP

NM_005097.4(LGI1):c.187del (p.Arg63fs)

Gene: LGI1 (leucine rich glioma inactivated 1; plus strand). Cytogenetic location: 10q23.33.
Variant type: Deletion.
Coding change: c.187del on transcript NM_005097.4 (MANE Select); coding-DNA position 187, one base deleted (C; older notation c.187delC).
Protein change: p.Arg63fs; shifts the reading frame from arginine 63.
Molecular consequence: frameshift variant. On other transcripts: non-coding transcript variant (1).
Genome position (GRCh38, 1-based): chr10:93,758,331, C deleted. VCF-style (leftmost placement, unchanged base first): chr10-93758330-AC-A. GRCh37 (hg19) VCF-style: chr10-95518087-AC-A.
Other names: c.187del, p.Arg63fs (NM_001308275.2, NM_001308276.2); short protein forms R63fs.
Identifiers: ClinVar variation 2627607 (VCV002627607.2), dbSNP rs2492801872, ClinGen allele CA2582342720.